The following is an entry in ClinVar:

NM_004667.6(HERC2):c.5442G>T (p.Thr1814=)

Gene: HERC2 (HECT and RLD domain containing E3 ubiquitin protein ligase 2; minus strand). Cytogenetic location: 15q13.1.
Variant type: single nucleotide variant.
Coding change: c.5442G>T on transcript NM_004667.6 (MANE Select); coding-DNA position 5442, G replaced by T.
Protein change: p.Thr1814=; no amino-acid change (threonine 1814 retained).
Molecular consequence: synonymous variant.
Genome position (GRCh38, 1-based): chr15:28,228,240, C>A on the plus strand (G>T on the coding strand, the complement: HERC2 is on the minus strand). VCF-style: chr15-28228240-C-A. GRCh37 (hg19) VCF-style: chr15-28473386-C-A.
Identifiers: ClinVar variation 722158 (VCV000722158.9), dbSNP rs144750946, ClinGen allele CA7442349.

ClinVar aggregate classification (germline): Benign/Likely benign. Review status: criteria provided, multiple submitters, no conflicts (2 of 4 stars). 3 submissions from 3 submitters: Benign (2); Likely benign (1). Last evaluated 2025-12-01.

Allele frequency attached by ClinVar (database versions not stated): gnomAD exomes 0.00064; ExAC 0.00086; ESP Exome Variant Server 0.00092; gnomAD 0.00249 and 0.00266; TOPMed 0.00274; 1000 Genomes Project 0.00300; 1000 Genomes Project 30x 0.00328.
gnomAD v4.1: 718 of 1,613,598 alleles (0.044%); highest among the groups gnomAD compares: African/African-American, 0.85%; 5 homozygotes.

Submissions (3):

CeGaT Center for Human Genetics Tuebingen
Classification: Likely benign. Last evaluated: 2025-12-01. Review status: criteria provided, single submitter. Criteria: CeGaT Center For Human Genetics Tuebingen Variant Classification Criteria Version 2. Collection method: clinical testing. Allele origin: germline. Affected: yes. Observed: 1 variant allele.
Comment: HERC2: BP4, BP7

Labcorp Genetics (formerly Invitae), Labcorp
Classification: Benign. Last evaluated: 2019-12-31. Review status: criteria provided, single submitter. Criteria: Invitae Variant Classification Sherloc (09022015). Collection method: clinical testing. Allele origin: germline.

Breakthrough Genomics
Classification: Benign. Review status: criteria provided, single submitter. Criteria: ACMG Guidelines, 2015. Collection method: not provided. Allele origin: germline. Inheritance: Autosomal recessive inheritance. Affected: yes.